The following is an entry in ClinVar:

NM_001134363.3(RBM20):c.50A>T (p.Glu17Val)

Gene: RBM20 (RNA binding motif protein 20; plus strand). Cytogenetic location: 10q25.2.
Variant type: single nucleotide variant.
Coding change: c.50A>T on transcript NM_001134363.3 (MANE Select); coding-DNA position 50, A replaced by T.
Protein change: p.Glu17Val; replaces glutamic acid 17 with valine.
Molecular consequence: missense variant.
Genome position (GRCh38, 1-based): chr10:110,644,504, A>T. VCF-style: chr10-110644504-A-T. GRCh37 (hg19) VCF-style: chr10-112404262-A-T.
Other names: c.50A>T (NM_001134363.1); short protein forms E17V.
Identifiers: ClinVar variation 871143 (VCV000871143.41), dbSNP rs1443727983, ClinGen allele CA378527418.
Genomic context (GRCh38, chr10:110,644,504, plus strand): 5'-TCTCGCCCCGCATGGTGCTGGCAGCAGCCATGAGCCAGGACGCGGACCCCAGCGGTCCGG[A>T]GCAGCCGGACAGAGTTGCCTGCAGTGTGCCTGGTGCCCGGGCGTCCCCGGCACCCTCCGG-3'
Protein context (NP_001127835.2, residues 7-27): MSQDADPSGP[Glu17Val]QPDRVACSVP

ClinVar aggregate classification (germline): Uncertain significance. Review status: criteria provided, multiple submitters, no conflicts (2 of 4 stars). 2 submissions from 2 submitters: Uncertain significance (2). Last evaluated 2024-06-12.

Allele frequency attached by ClinVar (database versions not stated): gnomAD exomes below 0.00001; gnomAD 0.00001.
gnomAD v4.1: 3 of 1,525,970 alleles (0.0002%); highest among the groups gnomAD compares: Non-Finnish European, 0.00026%; no homozygotes.

Submissions (2):

GeneDx
Classification: Uncertain significance. Last evaluated: 2024-06-12. Review status: criteria provided, single submitter. Criteria: GeneDx Variant Classification Process June 2021. Collection method: clinical testing. Allele origin: germline. Affected: yes.
Comment: Has not been previously published as pathogenic or benign to our knowledge; Not observed at significant frequency in large population cohorts (gnomAD); In silico analysis indicates that this missense variant does not alter protein structure/function

CeGaT Center for Human Genetics Tuebingen
Classification: Uncertain significance. Last evaluated: 2020-12-01. Review status: criteria provided, single submitter. Criteria: CeGaT Center For Human Genetics Tuebingen Variant Classification Criteria Version 2. Collection method: clinical testing. Allele origin: germline. Affected: yes. Observed: 2 variant alleles.